The following is an entry in ClinVar:

NM_000168.6(GLI3):c.2386A>G (p.Ile796Val)

Gene: GLI3 (GLI family zinc finger 3; minus strand). Cytogenetic location: 7p14.1.
Variant type: single nucleotide variant.
Coding change: c.2386A>G on transcript NM_000168.6 (MANE Select); coding-DNA position 2386, A replaced by G.
Protein change: p.Ile796Val; replaces isoleucine 796 with valine.
Molecular consequence: missense variant.
Genome position (GRCh38, 1-based): chr7:41,967,641, T>C on the plus strand (A>G on the coding strand, the complement: GLI3 is on the minus strand). VCF-style: chr7-41967641-T-C. GRCh37 (hg19) VCF-style: chr7-42007239-T-C.
Other names: short protein forms I796V.
Identifiers: ClinVar variation 3758594 (VCV003758594.2).

ClinVar aggregate classification (germline): Uncertain significance (1 of 4 stars; one submission).

Conditions:
Pallister-Hall syndrome (PHS). Also called: HYPOTHALAMIC HAMARTOBLASTOMA, HYPOPITUITARISM, IMPERFORATE ANUS, AND POSTAXIAL POLYDACTYLY; GLI3-Related Pallister-Hall Syndrome. Identifiers: Orphanet 672, MedGen C0265220, MONDO:0007804, OMIM 146510.
Greig cephalopolysyndactyly syndrome (GCPS). Also called: GLI3-Related Greig Cephalopolysyndactyly Syndrome; POLYSYNDACTYLY WITH PECULIAR SKULL SHAPE; Greig syndrome. Identifiers: Orphanet 380, MedGen C0265306, MONDO:0008287, OMIM 175700.

gnomAD v4.1: 1 of 1,613,984 alleles (0.000062%); no homozygotes.

Submission:

Labcorp Genetics (formerly Invitae), Labcorp
Classification: Uncertain significance for Pallister-Hall syndrome; Greig cephalopolysyndactyly syndrome. Last evaluated: 2024-02-22. Review status: criteria provided, single submitter. Criteria: Invitae Variant Classification Sherloc (09022015). Collection method: clinical testing. Allele origin: germline.
Comment: This sequence change replaces isoleucine, which is neutral and non-polar, with valine, which is neutral and non-polar, at codon 796 of the GLI3 protein (p.Ile796Val). This variant is not present in population databases (gnomAD no frequency). This variant has not been reported in the literature in individuals affected with GLI3-related conditions. Advanced modeling of protein sequence and biophysical properties (such as structural, functional, and spatial information, amino acid conservation, physicochemical variation, residue mobility, and thermodynamic stability) performed at Invitae indicates that this missense variant is not expected to disrupt GLI3 protein function with a negative predictive value of 80%. In summary, the available evidence is currently insufficient to determine the role of this variant in disease. Therefore, it has been classified as a Variant of Uncertain Significance.